The following is an entry in ClinVar:

ClinVar aggregate classification (germline): Uncertain significance. Review status: criteria provided, multiple submitters, no conflicts (2 of 4 stars). 4 submissions from 4 submitters: Uncertain significance (4). Last evaluated 2024-12-16.

Conditions:
Hereditary cancer-predisposing syndrome. Also called: Hereditary Cancer Syndrome; Tumor predisposition; Hereditary neoplastic syndrome; Neoplastic Syndromes, Hereditary. Identifiers: Orphanet 140162, MedGen C0027672, MeSH D009386, MONDO:0015356.
Birt-Hogg-Dube syndrome. Also called: Birt Hogg Dubé syndrome. Identifiers: Orphanet 122, MedGen C0346010, MONDO:0800444.

Allele frequency attached by ClinVar (database versions not stated): gnomAD exomes below 0.00001; TOPMed below 0.00001; gnomAD 0.00001.
gnomAD v4.1: 2 of 1,614,048 alleles (0.00012%); highest among the groups gnomAD compares: African/African-American, 0.0013%; no homozygotes.

Submissions (4):

Labcorp Genetics (formerly Invitae), Labcorp
Classification: Uncertain significance for Birt-Hogg-Dube syndrome. Last evaluated: 2024-12-16. Review status: criteria provided, single submitter. Criteria: Invitae Variant Classification Sherloc (09022015). Collection method: clinical testing. Allele origin: germline.
Comment: This sequence change replaces methionine, which is neutral and non-polar, with isoleucine, which is neutral and non-polar, at codon 54 of the FLCN protein (p.Met54Ile). This variant is present in population databases (no rsID available, gnomAD 0.0009%). This variant has not been reported in the literature in individuals affected with FLCN-related conditions. ClinVar contains an entry for this variant (Variation ID: 1064130). An algorithm developed to predict the effect of missense changes on protein structure and function (PolyPhen-2) suggests that this variant is likely to be tolerated. In summary, the available evidence is currently insufficient to determine the role of this variant in disease. Therefore, it has been classified as a Variant of Uncertain Significance.

Blueprint Genetics
Classification: Uncertain significance. Last evaluated: 2024-05-22. Review status: criteria provided, single submitter. Criteria: ACMG Guidelines, 2015. Collection method: clinical testing. Allele origin: germline.

Ambry Genetics
Classification: Uncertain significance for Hereditary cancer-predisposing syndrome. Last evaluated: 2023-07-18. Review status: criteria provided, single submitter. Criteria: Ambry Variant Classification Scheme 2023. Collection method: clinical testing. Allele origin: germline.
Comment: The p.M54I variant (also known as c.162G>A), located in coding exon 1 of the FLCN gene, results from a G to A substitution at nucleotide position 162. The methionine at codon 54 is replaced by isoleucine, an amino acid with highly similar properties. This amino acid position is highly conserved in available vertebrate species. In addition, this alteration is predicted to be deleterious by in silico analysis. Since supporting evidence is limited at this time, the clinical significance of this alteration remains unclear.

GeneDx
Classification: Uncertain significance. Last evaluated: 2023-05-30. Review status: criteria provided, single submitter. Criteria: GeneDx Variant Classification Process June 2021. Collection method: clinical testing. Allele origin: germline. Affected: yes.
Comment: Not observed at significant frequency in large population cohorts (gnomAD); In silico analysis supports that this missense variant does not alter protein structure/function; Has not been previously published as pathogenic or benign to our knowledge

NM_144997.7(FLCN):c.162G>A (p.Met54Ile)

Gene: FLCN (folliculin; minus strand). Cytogenetic location: 17p11.2.
Variant type: single nucleotide variant.
Coding change: c.162G>A on transcript NM_144997.7 (MANE Select); coding-DNA position 162, G replaced by A.
Protein change: p.Met54Ile; replaces methionine 54 with isoleucine.
Molecular consequence: missense variant.
Genome position (GRCh38, 1-based): chr17:17,227,976, C>T on the plus strand (G>A on the coding strand, the complement: FLCN is on the minus strand). VCF-style: chr17-17227976-C-T. GRCh37 (hg19) VCF-style: chr17-17131290-C-T.
Other names: c.162G>A (NM_144997.5); c.162G>A, p.Met54Ile (NM_001353229.2, NM_001353230.2, NM_001353231.2 and 1 more transcripts); short protein forms M54I.
Identifiers: ClinVar variation 1064130 (VCV001064130.9), dbSNP rs896057815, ClinGen allele CA288320659.